The following is an entry in ClinVar:

NM_001478.5(B4GALNT1):c.1315T>C (p.Phe439Leu)

Gene: B4GALNT1 (beta-1,4-N-acetyl-galactosaminyltransferase 1; minus strand). Cytogenetic location: 12q13.3.
Variant type: single nucleotide variant.
Coding change: c.1315T>C on transcript NM_001478.5 (MANE Select); coding-DNA position 1315, T replaced by C.
Protein change: p.Phe439Leu; replaces phenylalanine 439 with leucine.
Molecular consequence: missense variant.
Genome position (GRCh38, 1-based): chr12:57,627,687, A>G on the plus strand (T>C on the coding strand, the complement: B4GALNT1 is on the minus strand). VCF-style: chr12-57627687-A-G. GRCh37 (hg19) VCF-style: chr12-58021470-A-G.
Other names: c.1150T>C, p.Phe384Leu (NM_001276468.2, NM_001413978.1); c.1483T>C, p.Phe495Leu (NM_001413967.1); c.1450T>C, p.Phe484Leu (NM_001413968.1, NM_001413969.1); c.1348T>C, p.Phe450Leu (NM_001413970.1, NM_001413971.1, NM_001413972.1); c.1315T>C, p.Phe439Leu (NM_001413973.1, NM_001413974.1); c.1216T>C, p.Phe406Leu (NM_001413977.1); c.463T>C, p.Phe155Leu (NM_001413981.1); c.361T>C, p.Phe121Leu (NM_001413982.1); and 1 more; short protein forms F406L, F439L, F495L, F155L, F450L, F384L, F110L, F121L.
Identifiers: ClinVar variation 1994926 (VCV001994926.4), dbSNP rs2140242662, ClinGen allele CA385494210.
Genomic context (GRCh38, chr12:57,627,687, plus strand): 5'-CCACGCGGCTGAGGCGGGGGTCGAAACCGACCTCGCGCACCTTGTCAGTCCGCGCCAGGA[A>G]GAAGTTAACCACGCCGTCGGTGACCACGCAGCCTGGGAAGCCGACGAGCTCGTGGTGGAA-3'
Protein context (NP_001469.1, residues 429-449): CVVTDGVVNF[Phe439Leu]LARTDKVREV

ClinVar aggregate classification (germline): Uncertain significance (1 of 4 stars; one submission).

Conditions:
Spastic paraplegia. Identifiers: MedGen C0037772, HP:0001258.

Allele frequency attached by ClinVar (database versions not stated): gnomAD exomes below 0.00001.
gnomAD v4.1: 1 of 1,612,346 alleles (0.000062%); highest among the groups gnomAD compares: East Asian, 0.0022%; no homozygotes.

Submission:

Labcorp Genetics (formerly Invitae), Labcorp
Classification: Uncertain significance for Spastic paraplegia. Last evaluated: 2022-05-15. Review status: criteria provided, single submitter. Criteria: Invitae Variant Classification Sherloc (09022015). Collection method: clinical testing. Allele origin: germline.
Comment: Algorithms developed to predict the effect of missense changes on protein structure and function are either unavailable or do not agree on the potential impact of this missense change (SIFT: "Deleterious"; PolyPhen-2: "Probably Damaging"; Align-GVGD: "Class C15"). In summary, the available evidence is currently insufficient to determine the role of this variant in disease. Therefore, it has been classified as a Variant of Uncertain Significance. This variant has not been reported in the literature in individuals affected with B4GALNT1-related conditions. This variant is not present in population databases (gnomAD no frequency). This sequence change replaces phenylalanine, which is neutral and non-polar, with leucine, which is neutral and non-polar, at codon 439 of the B4GALNT1 protein (p.Phe439Leu).